The following is an entry in ClinVar:

ClinVar aggregate classification (germline): Uncertain significance. Review status: criteria provided, multiple submitters, no conflicts (2 of 4 stars). 2 submissions from 2 submitters: Uncertain significance (2). Last evaluated 2026-02-02.

gnomAD v4.1: 4 of 1,614,118 alleles (0.00025%); highest among the groups gnomAD compares: Non-Finnish European, 0.00034%; no homozygotes.

Submissions (2):

Labcorp Genetics (formerly Invitae), Labcorp
Classification: Uncertain significance. Last evaluated: 2026-02-02. Review status: criteria provided, single submitter. Criteria: Invitae Variant Classification Sherloc (09022015). Collection method: clinical testing. Allele origin: germline.
Comment: This sequence change replaces alanine, which is neutral and non-polar, with valine, which is neutral and non-polar, at codon 263 of the HK1 protein (p.Ala263Val). This variant is present in population databases (no rsID available, gnomAD 0.0009%). This variant has not been reported in the literature in individuals affected with HK1-related conditions. ClinVar contains an entry for this variant (Variation ID: 1942105). Invitae Evidence Modeling of protein sequence and biophysical properties (such as structural, functional, and spatial information, amino acid conservation, physicochemical variation, residue mobility, and thermodynamic stability) indicates that this missense variant is not expected to disrupt HK1 protein function with a negative predictive value of 80%. In summary, the available evidence is currently insufficient to determine the role of this variant in disease. Therefore, it has been classified as a Variant of Uncertain Significance.

Revvity Omics, Revvity
Classification: Uncertain significance. Last evaluated: 2024-12-04. Review status: criteria provided, single submitter. Criteria: ACMG Guidelines, 2015. Collection method: clinical testing. Allele origin: germline.

NM_000188.3(HK1):c.788C>T (p.Ala263Val)

Gene: HK1 (hexokinase 1; plus strand). Cytogenetic location: 10q22.1.
Variant type: single nucleotide variant.
Coding change: c.788C>T on transcript NM_000188.3 (MANE Select); coding-DNA position 788, C replaced by T.
Protein change: p.Ala263Val; replaces alanine 263 with valine.
Molecular consequence: missense variant.
Genome position (GRCh38, 1-based): chr10:69,369,537, C>T. VCF-style: chr10-69369537-C-T. GRCh37 (hg19) VCF-style: chr10-71129293-C-T.
Other names: c.788C>T (NM_000188.2); c.800C>T, p.Ala267Val (NM_001322364.2, NM_001358263.1, NM_033497.3 and 1 more transcripts); c.893C>T, p.Ala298Val (NM_001322365.2); c.704C>T, p.Ala235Val (NM_001322366.1); c.692C>T, p.Ala231Val (NM_001322367.1); c.785C>T, p.Ala262Val (NM_033496.3); c.752C>T, p.Ala251Val (NM_033500.2); short protein forms A251V, A262V, A231V, A235V, A263V, A298V, A267V.
Identifiers: ClinVar variation 1942105 (VCV001942105.6), dbSNP rs1433867007, ClinGen allele CA376914305.
Genomic context (GRCh38, chr10:69,369,537, plus strand): 5'-GGCACATTGATCTGGTGGAAGGAGACGAGGGGAGGATGTGTATCAATACAGAATGGGGAG[C>T]CTTTGGAGACGATGGATCATTAGAAGACATCCGGACAGAGTTTGACAGGGAGATAGACCG-3'
Protein context (NP_000179.2, residues 253-273): GRMCINTEWG[Ala263Val]FGDDGSLEDI